The following is an entry in ClinVar:

ClinVar aggregate classification (germline): Uncertain significance (1 of 4 stars; one submission).

Conditions:
Nemaline myopathy 2 (NEM2). Also called: Nemaline myopathy 2, autosomal recessive. Identifiers: MedGen C1850569, MONDO:0009725, OMIM 256030.

Submission:

Labcorp Genetics (formerly Invitae), Labcorp
Classification: Uncertain significance for Nemaline myopathy 2. Last evaluated: 2022-02-14. Review status: criteria provided, single submitter. Criteria: Invitae Variant Classification Sherloc (09022015). Collection method: clinical testing. Allele origin: germline.
Comment: This sequence change replaces serine, which is neutral and polar, with threonine, which is neutral and polar, at codon 6192 of the NEB protein (p.Ser6192Thr). This variant is not present in population databases (gnomAD no frequency). This variant has not been reported in the literature in individuals affected with NEB-related conditions. Algorithms developed to predict the effect of missense changes on protein structure and function are either unavailable or do not agree on the potential impact of this missense change (SIFT: "Deleterious"; PolyPhen-2: "Not Available"; Align-GVGD: "Class C0"). In summary, the available evidence is currently insufficient to determine the role of this variant in disease. Therefore, it has been classified as a Variant of Uncertain Significance.

NM_001164508.2(NEB):c.18575G>C (p.Ser6192Thr)

Gene: NEB (nebulin; minus strand). Cytogenetic location: 2q23.3.
Variant type: single nucleotide variant.
Coding change: c.18575G>C on transcript NM_001164508.2 (MANE Select); coding-DNA position 18575, G replaced by C.
Protein change: p.Ser6192Thr; replaces serine 6192 with threonine.
Molecular consequence: missense variant.
Genome position (GRCh38, 1-based): chr2:151,563,827, C>G on the plus strand (G>C on the coding strand, the complement: NEB is on the minus strand). VCF-style: chr2-151563827-C-G. GRCh37 (hg19) VCF-style: chr2-152420341-C-G.
Other names: c.18575G>C, p.Ser6192Thr (NM_001164507.2, NM_001271208.2); c.13472G>C, p.Ser4491Thr (NM_004543.5); short protein forms S6192T, S4491T.
Identifiers: ClinVar variation 1934348 (VCV001934348.2), dbSNP rs1017287917, ClinGen allele CA57657644.